The following is an entry in ClinVar:

NM_144999.4(LRRC45):c.1249A>C (p.Met417Leu)

Gene: LRRC45 (leucine rich repeat containing 45; plus strand). Cytogenetic location: 17q25.3.
Variant type: single nucleotide variant.
Coding change: c.1249A>C on transcript NM_144999.4 (MANE Select); coding-DNA position 1249, A replaced by C.
Protein change: p.Met417Leu; replaces methionine 417 with leucine.
Molecular consequence: missense variant.
Genome position (GRCh38, 1-based): chr17:82,028,624, A>C. VCF-style: chr17-82028624-A-C. GRCh37 (hg19) VCF-style: chr17-79986500-A-C.
Other names: short protein forms M417L.
Identifiers: ClinVar variation 4992271 (VCV004992271.1).

ClinVar aggregate classification (germline): Uncertain significance (1 of 4 stars; one submission).

Conditions:
LRRC45-related disorder. Also called: LRRC45-related condition.

Submission:

PreventionGenetics, part of Exact Sciences
Classification: Uncertain significance for LRRC45-related condition. Last evaluated: 2025-10-16. Review status: criteria provided, single submitter. Criteria: ACMG Guidelines, 2015. Collection method: clinical testing. Allele origin: germline.
Comment: The LRRC45 c.1249A>C variant is predicted to result in the amino acid substitution p.Met417Leu. To our knowledge, this variant has not been reported in the literature or in a large population database (gnomAD), indicating this variant is rare. At this time, the clinical significance of this variant is uncertain due to the absence of conclusive functional and genetic evidence.